The following is an entry in ClinVar:

ClinVar aggregate classification (germline): Likely pathogenic (1 of 4 stars; one submission).

Conditions:
Macular dystrophy with or without extraocular features.

Submission:

Ophthalmic Genetics Group, Institute of Molecular and Clinical Ophthalmology Basel
Classification: Likely pathogenic for Macular dystrophy with or without extraocular features. Last evaluated: 2024-12-17. Review status: criteria provided, single submitter. Criteria: ACMG Guidelines, 2015. Collection method: research. Allele origin: germline. Affected: yes. Observed: 1 variant allele.
Comment: This stopgain change is introducing a premature termination codon at amino acid position 275, and likely results in a nonsense-mediated mRNA decay. This variant is not present in gnomAD v2.1.1. Therefore, it was classified as Likely pathogenic based on ACMG criteria: PVS1_vstrong, PM2_mod.

Literature cited by the submitters: PubMed 40081374.

NM_014855.3(AP5Z1):c.824C>A (p.Ser275Ter)

Gene: AP5Z1 (adaptor related protein complex 5 subunit zeta 1; plus strand). Cytogenetic location: 7p22.1.
Variant type: single nucleotide variant.
Coding change: c.824C>A on transcript NM_014855.3 (MANE Select); coding-DNA position 824, C replaced by A.
Protein change: p.Ser275Ter; replaces serine 275 with a stop codon.
Molecular consequence: nonsense. On other transcripts: non-coding transcript variant (1).
Genome position (GRCh38, 1-based): chr7:4,784,941, C>A. VCF-style: chr7-4784941-C-A. GRCh37 (hg19) VCF-style: chr7-4824572-C-A.
Other names: NC_000007.13:g.4824572C>A; NP_055670.1:p.(Ser275Ter); c.356C>A, p.Ser119Ter (NM_001364858.1); short protein forms S119*, S275*.
Identifiers: ClinVar variation 3777711 (VCV003777711.1).
Genomic context (GRCh38, chr7:4,784,941, plus strand): 5'-CCTGCTGAGAGTTCCCACCTCCCGCAGATGACAGGTCAGAGCAGGAGGGCTCCACTCTGT[C>A]GGTGATCTCCGCCACCTCCTCTGCCGGCCGCCTGCTGCCGCCCCGGGAGCGGCTTCGGGA-3'